The following is an entry in ClinVar:

ClinVar aggregate classification (germline): Conflicting classifications of pathogenicity. Review status: criteria provided, conflicting classifications (1 of 4 stars). 2 submissions from 2 submitters: Uncertain significance (1); Likely benign (1). Last evaluated 2025-04-20.

Allele frequency attached by ClinVar (database versions not stated): gnomAD 0.00001; gnomAD exomes 0.00001; TOPMed 0.00001; ESP Exome Variant Server 0.00008.

Submissions (2):

Ambry Genetics
Classification: Likely benign. Last evaluated: 2025-04-20. Review status: criteria provided, single submitter. Criteria: Ambry Variant Classification Scheme 2023. Collection method: clinical testing. Allele origin: germline.

Labcorp Genetics (formerly Invitae), Labcorp
Classification: Uncertain significance. Last evaluated: 2023-02-27. Review status: criteria provided, single submitter. Criteria: Invitae Variant Classification Sherloc (09022015). Collection method: clinical testing. Allele origin: germline.
Comment: In summary, the available evidence is currently insufficient to determine the role of this variant in disease. Therefore, it has been classified as a Variant of Uncertain Significance. Algorithms developed to predict the effect of missense changes on protein structure and function output the following: SIFT: "Not Available"; PolyPhen-2: "Not Available"; Align-GVGD: "Not Available". The serine amino acid residue is found in multiple mammalian species, which suggests that this missense change does not adversely affect protein function. ClinVar contains an entry for this variant (Variation ID: 2034056). This variant has not been reported in the literature in individuals affected with POLR3F-related conditions. This variant is present in population databases (rs144099604, gnomAD 0.003%). This sequence change replaces asparagine, which is neutral and polar, with serine, which is neutral and polar, at codon 233 of the POLR3F protein (p.Asn233Ser).

NM_006466.4(POLR3F):c.821A>G (p.Asn274Ser)

Gene: POLR3F (RNA polymerase III subunit F; plus strand). Cytogenetic location: 20p11.23.
Variant type: single nucleotide variant.
Coding change: c.821A>G on transcript NM_006466.4 (MANE Select); coding-DNA position 821, A replaced by G.
Protein change: p.Asn274Ser; replaces asparagine 274 with serine.
Molecular consequence: missense variant. On other transcripts: non-coding transcript variant (1).
Genome position (GRCh38, 1-based): chr20:18,481,758, A>G. VCF-style: chr20-18481758-A-G. GRCh37 (hg19) VCF-style: chr20-18462402-A-G.
Other names: c.698A>G, p.Asn233Ser (NM_001282526.2); c.677A>G, p.Asn226Ser (NM_001410821.1); c.821A>G (NM_006466.2); short protein forms N233S, N274S, N226S.
Identifiers: ClinVar variation 2034056 (VCV002034056.5), dbSNP rs144099604, ClinGen allele CA312389796.
Genomic context (GRCh38, chr20:18,481,758, plus strand): 5'-CTGCAAAAGAAGGCACAGTTGGCAGTGTAGATGGACACATGAAACTGTACAGGGCAGTCA[A>G]TCCAATCATCCCTCCCACAGGTTTGGTCCGGGCACCCTGTGGACTCTGCCCGGTGAGTTA-3'
Protein context (NP_006457.2, residues 264-284): DGHMKLYRAV[Asn274Ser]PIIPPTGLVR